The following is an entry in ClinVar:

ClinVar aggregate classification (germline): Uncertain significance. Review status: criteria provided, multiple submitters, no conflicts (2 of 4 stars). 2 submissions from 2 submitters: Uncertain significance (2). Last evaluated 2025-08-24.

Conditions:
Inborn genetic diseases. Identifiers: MedGen C0950123, MeSH D030342.
Rubinstein-Taybi syndrome due to EP300 haploinsufficiency. Also called: EP300-Related Rubinstein-Taybi Syndrome; RUBINSTEIN-TAYBI SYNDROME 2. Identifiers: Orphanet 353284, Orphanet 783, MedGen C3150941, MONDO:0013364, OMIM 613684.

Submissions (2):

Ambry Genetics
Classification: Uncertain significance for Inborn genetic diseases. Last evaluated: 2025-08-24. Review status: criteria provided, single submitter. Criteria: Ambry Variant Classification Scheme 2023. Collection method: clinical testing. Allele origin: germline.

Labcorp Genetics (formerly Invitae), Labcorp
Classification: Uncertain significance for Rubinstein-Taybi syndrome due to EP300 haploinsufficiency. Last evaluated: 2024-03-24. Review status: criteria provided, single submitter. Criteria: Invitae Variant Classification Sherloc (09022015). Collection method: clinical testing. Allele origin: germline.
Comment: This sequence change replaces threonine, which is neutral and polar, with lysine, which is basic and polar, at codon 1538 of the EP300 protein (p.Thr1538Lys). This variant is not present in population databases (gnomAD no frequency). This variant has not been reported in the literature in individuals affected with EP300-related conditions. Advanced modeling of protein sequence and biophysical properties (such as structural, functional, and spatial information, amino acid conservation, physicochemical variation, residue mobility, and thermodynamic stability) performed at Invitae indicates that this missense variant is not expected to disrupt EP300 protein function with a negative predictive value of 80%. In summary, the available evidence is currently insufficient to determine the role of this variant in disease. Therefore, it has been classified as a Variant of Uncertain Significance.

NM_001429.4(EP300):c.4613C>A (p.Thr1538Lys)

Gene: EP300 (EP300 lysine acetyltransferase; plus strand). Cytogenetic location: 22q13.2.
Variant type: single nucleotide variant.
Coding change: c.4613C>A on transcript NM_001429.4 (MANE Select); coding-DNA position 4613, C replaced by A.
Protein change: p.Thr1538Lys; replaces threonine 1538 with lysine.
Molecular consequence: missense variant.
Genome position (GRCh38, 1-based): chr22:41,172,659, C>A. VCF-style: chr22-41172659-C-A. GRCh37 (hg19) VCF-style: chr22-41568663-C-A.
Other names: c.4535C>A, p.Thr1512Lys (NM_001362843.2); c.4613C>A (NM_001429.3); short protein forms T1512K, T1538K.
Identifiers: ClinVar variation 3644945 (VCV003644945.3).
Genomic context (GRCh38, chr22:41,172,659, plus strand): 5'-AGGAACTGGAACAGGAGGAAGAAGAGAGAAAACGAGAGGAAAACACCAGCAATGAAAGCA[C>A]AGATGTAAGGGCATTGAGTTTCCTTTGAAACTTCTATCATGATTCTAATATTTAATCCAG-3'
Protein context (NP_001420.2, residues 1528-1548): KREENTSNES[Thr1538Lys]DVTKGDSKNA